The following is an entry in ClinVar:

NM_005413.4(SIX3):c.887C>G (p.Ser296Trp)

Gene: SIX3 (SIX homeobox 3; plus strand). Cytogenetic location: 2p21.
Variant type: single nucleotide variant.
Coding change: c.887C>G on transcript NM_005413.4 (MANE Select); coding-DNA position 887, C replaced by G.
Protein change: p.Ser296Trp; replaces serine 296 with tryptophan.
Molecular consequence: missense variant.
Genome position (GRCh38, 1-based): chr2:44,944,648, C>G. VCF-style: chr2-44944648-C-G. GRCh37 (hg19) VCF-style: chr2-45171787-C-G.
Other names: short protein forms S296W.
Identifiers: ClinVar variation 532826 (VCV000532826.9), dbSNP rs751280287, ClinGen allele CA1642410.

ClinVar aggregate classification (germline): Uncertain significance. Review status: criteria provided, multiple submitters, no conflicts (2 of 4 stars). 2 submissions from 2 submitters: Uncertain significance (2). Last evaluated 2025-08-21.

Conditions:
Holoprosencephaly 2 (HPE2). Identifiers: Orphanet 2162, MedGen C1834877, MONDO:0007999, OMIM 157170.
Inborn genetic diseases. Identifiers: MedGen C0950123, MeSH D030342.

Allele frequency attached by ClinVar (database versions not stated): gnomAD 0.00004; gnomAD exomes 0.00008; TOPMed 0.00005.
gnomAD v4.1: 187 of 1,574,258 alleles (0.012%); highest among the groups gnomAD compares: Non-Finnish European, 0.015%; no homozygotes.

Submissions (2):

Labcorp Genetics (formerly Invitae), Labcorp
Classification: Uncertain significance for Holoprosencephaly 2. Last evaluated: 2025-08-21. Review status: criteria provided, single submitter. Criteria: Invitae Variant Classification Sherloc (09022015). Collection method: clinical testing. Allele origin: germline.
Comment: This sequence change replaces serine, which is neutral and polar, with tryptophan, which is neutral and slightly polar, at codon 296 of the SIX3 protein (p.Ser296Trp). This variant is present in population databases (rs751280287, gnomAD 0.02%). This variant has not been reported in the literature in individuals affected with SIX3-related conditions. ClinVar contains an entry for this variant (Variation ID: 532826). Invitae Evidence Modeling of protein sequence and biophysical properties (such as structural, functional, and spatial information, amino acid conservation, physicochemical variation, residue mobility, and thermodynamic stability) has been performed for this missense variant. However, the output from this modeling did not meet the statistical confidence thresholds required to predict the impact of this variant on SIX3 protein function. In summary, the available evidence is currently insufficient to determine the role of this variant in disease. Therefore, it has been classified as a Variant of Uncertain Significance.

Ambry Genetics
Classification: Uncertain significance for Inborn genetic diseases. Last evaluated: 2025-06-12. Review status: criteria provided, single submitter. Criteria: Ambry Variant Classification Scheme 2023. Collection method: clinical testing. Allele origin: germline.